The following is an entry in ClinVar:

ClinVar aggregate classification (germline): Pathogenic (1 of 4 stars; one submission).

Conditions:
Androgen resistance syndrome (AIS). Also called: Androgen insensitivity, complete; Androgen insensitivity syndrome due to coactivator deficiency; Androgen insensitivity syndrome; Androgen insensitivity; ANDROGEN RECEPTOR DEFICIENCY; DIHYDROTESTOSTERONE RECEPTOR DEFICIENCY. Identifiers: Orphanet 754, Orphanet 99429, MedGen C0039585, MONDO:0019154, OMIM 300068. Disease mechanism: loss of function.
Kennedy disease (SMAX1). Also called: Spinal and Bulbar Muscular Atrophy; SPINAL AND BULBAR MUSCULAR ATROPHY, X-LINKED 1; KENNEDY SPINAL AND BULBAR MUSCULAR ATROPHY. Identifiers: Orphanet 481, MedGen C1839259, MONDO:0010735, OMIM 313200.

Submission:

Labcorp Genetics (formerly Invitae), Labcorp
Classification: Pathogenic for Kennedy disease; Androgen resistance syndrome. Last evaluated: 2018-07-31. Review status: criteria provided, single submitter. Criteria: Invitae Variant Classification Sherloc (09022015). Collection method: clinical testing. Allele origin: germline.
Comment: For these reasons, this variant has been classified as Pathogenic. Loss-of-function variants in AR are known to be pathogenic (PMID: 19463997). This variant has not been reported in the literature in individuals with AR-related disease. This variant is not present in population databases (ExAC no frequency). This sequence change creates a premature translational stop signal (p.Glu252Aspfs*3) in the AR gene. It is expected to result in an absent or disrupted protein product.

Literature cited by the submitters: PubMed 19463997.

NM_000044.6(AR):c.756_765del (p.Glu252fs)

Gene: AR (androgen receptor; plus strand). Cytogenetic location: Xq12.
Variant type: Deletion.
Coding change: c.756_765del on transcript NM_000044.6 (MANE Select); coding-DNA positions 756 to 765, 10 bases deleted (GGCGTTGGAG; older notation c.756_765delGGCGTTGGAG).
Protein change: p.Glu252fs; shifts the reading frame from glutamic acid 252.
Molecular consequence: frameshift variant. On other transcripts: 5 prime UTR variant (1).
Genome position (GRCh38, 1-based): chrX:67,545,902-67,545,911, GGCGTTGGAG deleted. VCF-style (leftmost placement, unchanged base first): chrX-67545901-AGGCGTTGGAG-A. GRCh37 (hg19) VCF-style: chrX-66765743-AGGCGTTGGAG-A.
Other names: c.-1028_-1019del (NM_001011645.3); c.756_765del, p.Glu252fs (NM_001348061.1, NM_001348063.1, NM_001348064.1); short protein forms E252fs.
Identifiers: ClinVar variation 644458 (VCV000644458.5), dbSNP rs1602144034, ClinGen allele CA915951147.